The following is an entry in ClinVar:

ClinVar aggregate classification (germline): Uncertain significance (1 of 4 stars; one submission).

Conditions:
Bardet-Biedl syndrome (BBS). Identifiers: Orphanet 110, MedGen C0752166, MONDO:0015229.

Allele frequency attached by ClinVar (database versions not stated): gnomAD exomes below 0.00001.
gnomAD v4.1: 7 of 1,614,170 alleles (0.00043%); highest among the groups gnomAD compares: South Asian, 0.0011%; no homozygotes.

Submission:

Labcorp Genetics (formerly Invitae), Labcorp
Classification: Uncertain significance for Bardet-Biedl syndrome. Last evaluated: 2022-10-04. Review status: criteria provided, single submitter. Criteria: Invitae Variant Classification Sherloc (09022015). Collection method: clinical testing. Allele origin: germline.
Comment: ClinVar contains an entry for this variant (Variation ID: 1412282). This variant has not been reported in the literature in individuals affected with TTC8-related conditions. This variant is not present in population databases (gnomAD no frequency). This sequence change replaces glutamine, which is neutral and polar, with arginine, which is basic and polar, at codon 331 of the TTC8 protein (p.Gln331Arg). In summary, the available evidence is currently insufficient to determine the role of this variant in disease. Therefore, it has been classified as a Variant of Uncertain Significance. Algorithms developed to predict the effect of sequence changes on RNA splicing suggest that this variant may create or strengthen a splice site. Advanced modeling of protein sequence and biophysical properties (such as structural, functional, and spatial information, amino acid conservation, physicochemical variation, residue mobility, and thermodynamic stability) performed at Invitae indicates that this missense variant is expected to disrupt TTC8 protein function.

NM_144596.4(TTC8):c.1022A>G (p.Gln341Arg)

Gene: TTC8 (tetratricopeptide repeat domain 8; plus strand). Cytogenetic location: 14q31.3.
Variant type: single nucleotide variant.
Coding change: c.1022A>G on transcript NM_144596.4 (MANE Select); coding-DNA position 1022, A replaced by G.
Protein change: p.Gln341Arg; replaces glutamine 341 with arginine.
Molecular consequence: missense variant. On other transcripts: non-coding transcript variant (1).
Genome position (GRCh38, 1-based): chr14:88,870,171, A>G. VCF-style: chr14-88870171-A-G. GRCh37 (hg19) VCF-style: chr14-89336515-A-G.
Other names: c.1070A>G, p.Gln357Arg (NM_001288781.1); c.428A>G, p.Gln143Arg (NM_001288782.1); c.305A>G, p.Gln102Arg (NM_001288783.1); c.992A>G, p.Gln331Arg (NM_001366535.2, NM_198309.3); c.902A>G, p.Gln301Arg (NM_001366536.2, NM_198310.3); short protein forms Q143R, Q301R, Q102R, Q341R, Q331R, Q357R.
Identifiers: ClinVar variation 1412282 (VCV001412282.8), dbSNP rs2094927980, ClinGen allele CA390550027.